The following is an entry in ClinVar:

NM_000051.4(ATM):c.4998A>T (p.Glu1666Asp)

Gene: ATM (ATM serine/threonine kinase; plus strand). Cytogenetic location: 11q22.3.
Variant type: single nucleotide variant.
Coding change: c.4998A>T on transcript NM_000051.4 (MANE Select); coding-DNA position 4998, A replaced by T.
Protein change: p.Glu1666Asp; replaces glutamic acid 1666 with aspartic acid.
Molecular consequence: missense variant.
Genome position (GRCh38, 1-based): chr11:108,297,375, A>T. VCF-style: chr11-108297375-A-T. GRCh37 (hg19) VCF-style: chr11-108168102-A-T.
Other names: c.4998A>T, p.Glu1666Asp (NM_001351834.2); short protein forms E1666D.
Identifiers: ClinVar variation 4808321 (VCV004808321.1).

ClinVar aggregate classification (germline): Uncertain significance (1 of 4 stars; one submission).

Conditions:
Ataxia-telangiectasia syndrome (AT). Also called: Ataxia-telangiectasia, complementation group E; Ataxia telangiectasia (A-T); LOUIS-BAR SYNDROME; Ataxia-telangiectasia, complementation group D; AT, COMPLEMENTATION GROUP C; ATAXIA-TELANGIECTASIA, COMPLEMENTATION GROUP A. Identifiers: Orphanet 100, MedGen C0004135, MONDO:0008840, OMIM 208900.

Submission:

Labcorp Genetics (formerly Invitae), Labcorp
Classification: Uncertain significance for Ataxia-telangiectasia syndrome. Last evaluated: 2025-03-11. Review status: criteria provided, single submitter. Criteria: Invitae Variant Classification Sherloc (09022015). Collection method: clinical testing. Allele origin: germline.
Comment: This sequence change replaces glutamic acid, which is acidic and polar, with aspartic acid, which is acidic and polar, at codon 1666 of the ATM protein (p.Glu1666Asp). This variant is not present in population databases (gnomAD no frequency). This variant has not been reported in the literature in individuals affected with ATM-related conditions. Invitae Evidence Modeling of protein sequence and biophysical properties (such as structural, functional, and spatial information, amino acid conservation, physicochemical variation, residue mobility, and thermodynamic stability) indicates that this missense variant is not expected to disrupt ATM protein function with a negative predictive value of 95%. In summary, the available evidence is currently insufficient to determine the role of this variant in disease. Therefore, it has been classified as a Variant of Uncertain Significance.